The following is an entry in ClinVar:

ClinVar aggregate classification (germline): Uncertain significance (1 of 4 stars; one submission).

Allele frequency attached by ClinVar (database versions not stated): gnomAD exomes below 0.00001.
gnomAD v4.1: 1 of 1,559,528 alleles (0.000064%); highest among the groups gnomAD compares: Non-Finnish European, 0.000087%; no homozygotes.

Submission:

CeGaT Center for Human Genetics Tuebingen
Classification: Uncertain significance. Last evaluated: 2023-02-01. Review status: criteria provided, single submitter. Criteria: CeGaT Center For Human Genetics Tuebingen Variant Classification Criteria Version 2. Collection method: clinical testing. Allele origin: germline. Affected: yes. Observed: 1 variant allele.
Comment: CHD7: PM2

NM_017780.4(CHD7):c.2708A>G (p.His903Arg)

Gene: CHD7 (chromodomain helicase DNA binding protein 7; plus strand). Cytogenetic location: 8q12.2.
Variant type: single nucleotide variant.
Coding change: c.2708A>G on transcript NM_017780.4 (MANE Select); coding-DNA position 2708, A replaced by G.
Protein change: p.His903Arg; replaces histidine 903 with arginine.
Molecular consequence: missense variant. On other transcripts: intron variant (1).
Genome position (GRCh38, 1-based): chr8:60,821,800, A>G. VCF-style: chr8-60821800-A-G. GRCh37 (hg19) VCF-style: chr8-61734359-A-G.
Other names: c.1717-40429A>G (NM_001316690.1); short protein forms H903R.
Identifiers: ClinVar variation 2658620 (VCV002658620.24), dbSNP rs2487804582, ClinGen allele CA371307558.